The following is an entry in ClinVar:

NC_000012.11:g.(?_862732)_(939346_?)dup

Gene: WNK1 (WNK lysine deficient protein kinase 1; plus strand). Cytogenetic location: 12p13.33.
Variant type: Duplication.
Identifiers: ClinVar variation 2427789 (VCV002427789.4).

ClinVar aggregate classification (germline): Uncertain significance (1 of 4 stars; one submission).

Conditions:
Neuropathy, hereditary sensory and autonomic, type 2A (HSAN2A). Also called: ACROOSTEOLYSIS, GIACCAI TYPE; ACROOSTEOLYSIS, NEUROGENIC; MORVAN DISEASE; NEUROPATHY, CONGENITAL SENSORY; NEUROPATHY, HEREDITARY SENSORY RADICULAR, AUTOSOMAL RECESSIVE; NEUROPATHY, HEREDITARY SENSORY, TYPE IIA. Identifiers: Orphanet 970, MedGen C2752089, MONDO:0024309, OMIM 201300.
Pseudohypoaldosteronism type 2C (PHA2C). Also called: Pseudohypoaldosteronism Type IIC. Identifiers: Orphanet 757, Orphanet 88940, MedGen C1840391, MONDO:0013778, OMIM 614492.

Submission:

Labcorp Genetics (formerly Invitae), Labcorp
Classification: Uncertain significance for Neuropathy, hereditary sensory and autonomic, type 2A; Pseudohypoaldosteronism type 2C. Last evaluated: 2022-06-08. Review status: criteria provided, single submitter. Criteria: Invitae Variant Classification Sherloc (09022015). Collection method: clinical testing. Allele origin: germline.
Comment: In summary, the available evidence is currently insufficient to determine the role of this variant in disease. Therefore, it has been classified as a Variant of Uncertain Significance. Experimental studies and prediction algorithms are not available or were not evaluated, and the functional significance of this variant is currently unknown. This variant has not been reported in the literature in individuals affected with WNK1-related conditions. This variant results in a copy number gain of the genomic region encompassing exon(s) 1-4 of the WNK1 gene. This region includes the initiator codon of the gene. This copy number gain extends beyond the assayed region for this gene and therefore may encompass additional genes. As the precise location of this event is unknown, it may be in tandem or it may be located elsewhere in the genome.